The following is an entry in ClinVar:

ClinVar aggregate classification (germline): Likely benign (1 of 4 stars; one submission).

Allele frequency attached by ClinVar (database versions not stated): gnomAD 0.00001; TOPMed 0.00002.
gnomAD v4.1: 1 of 152,284 alleles (0.00066%); highest among the groups gnomAD compares: East Asian, 0.019%; no homozygotes.

Submission:

GeneDx
Classification: Likely benign. Last evaluated: 2017-03-01. Review status: criteria provided, single submitter. Criteria: GeneDx Variant Classification (06012015). Collection method: clinical testing. Allele origin: germline. Affected: yes.
Comment: This variant is considered likely benign or benign based on one or more of the following criteria: it is a conservative change, it occurs at a poorly conserved position in the protein, it is predicted to be benign by multiple in silico algorithms, and/or has population frequency not consistent with disease.

NM_000152.5(GAA):c.-33+17C>T

Gene: GAA (alpha glucosidase; plus strand). Cytogenetic location: 17q25.3.
Variant type: single nucleotide variant.
Coding change: c.-33+17C>T on transcript NM_000152.5 (MANE Select); 17 bases into the intron after 33 bases upstream of the start codon, C replaced by T.
Molecular consequence: intron variant. On other transcripts: non-coding transcript variant (1).
Genome position (GRCh38, 1-based): chr17:80,101,907, C>T. VCF-style: chr17-80101907-C-T. GRCh37 (hg19) VCF-style: chr17-78075706-C-T.
Other names: c.-33+17C>T (LRG_673t1, NM_001079803.3); c.-33+282C>T (NM_001079804.3).
Identifiers: ClinVar variation 507758 (VCV000507758.1), dbSNP rs1157266131, ClinGen allele CA658798975.
Genomic context (GRCh38, chr17:80,101,907, plus strand): 5'-TCTGCGCGTGCCGCAGCTGACGGGGAAACTGAGGCACGGAGCGGGTGAGACACCTGACGT[C>T]TGCCCCGCGCTGCCGGCGGTAACATCCCAGAAGCGGGTTTGAACGTGCCTAGCCGTGCCC-3'